The following is an entry in ClinVar:

NM_021098.3(CACNA1H):c.3508G>A (p.Glu1170Lys)

Gene: CACNA1H (calcium voltage-gated channel subunit alpha1 H; plus strand). Cytogenetic location: 16p13.3.
Variant type: single nucleotide variant.
Coding change: c.3508G>A on transcript NM_021098.3 (MANE Select); coding-DNA position 3508, G replaced by A.
Protein change: p.Glu1170Lys; replaces glutamic acid 1170 with lysine.
Molecular consequence: missense variant.
Genome position (GRCh38, 1-based): chr16:1,209,176, G>A. VCF-style: chr16-1209176-G-A. GRCh37 (hg19) VCF-style: chr16-1259176-G-A.
Other names: c.3508G>A, p.Glu1170Lys (NM_001005407.2); short protein forms E1170K.
Identifiers: ClinVar variation 580014 (VCV000580014.12), dbSNP rs766406727, ClinGen allele CA7800784.

ClinVar aggregate classification (germline): Uncertain significance. Review status: criteria provided, multiple submitters, no conflicts (2 of 4 stars). 3 submissions from 3 submitters: Uncertain significance (3). Last evaluated 2022-07-26.

Conditions:
Hyperaldosteronism, familial, type IV (HALD4). Also called: FH IV; ALDOSTERONISM, PRIMARY, AND HYPERTENSION. Identifiers: Orphanet 642671, MedGen C4310756, MONDO:0014875, OMIM 617027.
Epilepsy, childhood absence, susceptibility to, 6. Identifiers: Orphanet 64280, MedGen C2749872, MONDO:0012763, OMIM 611942.
Idiopathic generalized epilepsy. Also called: Generalised epilepsy; EIG. Identifiers: MedGen C0270850, MONDO:0005579, OMIM 600669.

Allele frequency attached by ClinVar (database versions not stated): ExAC below 0.00001; gnomAD 0.00001; TOPMed 0.00002.
gnomAD v4.1: 43 of 1,552,990 alleles (0.0028%); highest among the groups gnomAD compares: Middle Eastern, 0.033%; no homozygotes.

Submissions (3):

Labcorp Genetics (formerly Invitae), Labcorp
Classification: Uncertain significance for Idiopathic generalized epilepsy; Hyperaldosteronism, familial, type IV. Last evaluated: 2022-07-26. Review status: criteria provided, single submitter. Criteria: Invitae Variant Classification Sherloc (09022015). Collection method: clinical testing. Allele origin: germline.
Comment: In summary, the available evidence is currently insufficient to determine the role of this variant in disease. Therefore, it has been classified as a Variant of Uncertain Significance. Advanced modeling of protein sequence and biophysical properties (such as structural, functional, and spatial information, amino acid conservation, physicochemical variation, residue mobility, and thermodynamic stability) performed at Invitae indicates that this missense variant is not expected to disrupt CACNA1H protein function. ClinVar contains an entry for this variant (Variation ID: 580014). This missense change has been observed in individual(s) with varying forms of epilepsy (PMID: 17696120). The frequency data for this variant in the population databases is considered unreliable, as metrics indicate poor data quality at this position in the gnomAD database. This sequence change replaces glutamic acid, which is acidic and polar, with lysine, which is basic and polar, at codon 1170 of the CACNA1H protein (p.Glu1170Lys).

Fulgent Genetics
Classification: Uncertain significance for Epilepsy, childhood absence, susceptibility to, 6; Hyperaldosteronism, familial, type IV. Last evaluated: 2021-10-06. Review status: criteria provided, single submitter. Criteria: ACMG Guidelines, 2015. Collection method: clinical testing. Allele origin: unknown.

Revvity Omics, Revvity
Classification: Uncertain significance for Hyperaldosteronism, familial, type IV. Last evaluated: 2021-04-09. Review status: criteria provided, single submitter. Criteria: ACMG Guidelines, 2015. Collection method: clinical testing. Allele origin: germline.

Literature cited by the submitters: PubMed 17696120 (cited by Labcorp Genetics (formerly Invitae), Labcorp).